The following is an entry in ClinVar:

ClinVar aggregate classification (germline): Benign/Likely benign. Review status: criteria provided, multiple submitters, no conflicts (2 of 4 stars). 3 submissions from 3 submitters: Benign (1); Likely benign (1). 1 of the submissions does not count toward it. Last evaluated 2024-09-19.

Conditions:
ZFHX3-related disorder. Also called: ZFHX3-related condition.

Allele frequency attached by ClinVar (database versions not stated): ESP Exome Variant Server 0.00008; TOPMed 0.00023; gnomAD 0.00041; gnomAD exomes 0.00067; ExAC 0.00115; 1000 Genomes Project 30x 0.00156; 1000 Genomes Project 0.00160.
gnomAD v4.1: 1,060 of 1,540,794 alleles (0.069%); highest among the groups gnomAD compares: East Asian, 0.98%; 11 homozygotes.

Submissions (3):

Blueprint Genetics
Classification: Likely benign. Last evaluated: 2024-09-19. Review status: criteria provided, single submitter. Criteria: ACMG Guidelines, 2015. Collection method: clinical testing. Allele origin: germline.

CeGaT Center for Human Genetics Tuebingen
Classification: Benign. Last evaluated: 2022-10-01. Review status: criteria provided, single submitter. Criteria: CeGaT Center For Human Genetics Tuebingen Variant Classification Criteria Version 2. Collection method: clinical testing. Allele origin: germline. Affected: yes. Observed: 1 variant allele.
Comment: ZFHX3: BS1, BS2

PreventionGenetics, part of Exact Sciences
Classification: Likely benign for ZFHX3-related condition. Last evaluated: 2019-08-16. Review status: no assertion criteria provided. Collection method: clinical testing. Allele origin: germline. Not counted in ClinVar's aggregate classification.
Comment: This variant is classified as likely benign based on ACMG/AMP sequence variant interpretation guidelines (Richards et al. 2015 PMID: 25741868, with internal and published modifications).

NM_006885.4(ZFHX3):c.10872T>C (p.Ala3624=)

Genes: ZFHX3 (zinc finger homeobox 3; minus strand), ZFHX3-AS1 (ZFHX3 antisense RNA 1; plus strand). Cytogenetic location: 16q22.2.
Variant type: single nucleotide variant.
Coding change: c.10872T>C on transcript NM_006885.4 (MANE Select); coding-DNA position 10872, T replaced by C.
Protein change: p.Ala3624=; no amino-acid change (alanine 3624 retained).
Molecular consequence: synonymous variant. On other transcripts: non-coding transcript variant (1).
Genome position (GRCh38, 1-based): chr16:72,787,404, A>G on the plus strand (T>C on the coding strand, the complement: ZFHX3 is on the minus strand). VCF-style: chr16-72787404-A-G. GRCh37 (hg19) VCF-style: chr16-72821303-A-G.
Other names: c.8130T>C, p.Ala2710= (NM_001164766.2); c.10872T>C, p.Ala3624= (NM_001386735.1); c.10872T>C (NM_006885.3).
Identifiers: ClinVar variation 2646811 (VCV002646811.26), dbSNP rs199873559, ClinGen allele CA8162257.
Genomic context (GRCh38, chr16:72,787,404, plus strand): 5'-ACTTGAGGTAACCGTTGAAGATGAGGAGAGAGGAGGAAAAGAAGGGGGCTTCGCTGCCGA[A>G]GCCCGGGAGACCACTTGCGGCCAAGACTTCCTGGAGGCGTGGGGGGAAGCGGAGGAGGGG-3'
Protein context (NP_008816.3, residues 3614-3634): RKSWPQVVSR[Ala3624=]SAAKPPSFPP